The following is an entry in ClinVar:

ClinVar aggregate classification (germline): Uncertain significance (1 of 4 stars; one submission).

Conditions:
Renal cell carcinoma. Identifiers: Orphanet 217071, MedGen C0007134, MeSH D002292, MONDO:0005086, HP:0005584.

Submission:

Labcorp Genetics (formerly Invitae), Labcorp
Classification: Uncertain significance for Renal cell carcinoma. Last evaluated: 2023-11-04. Review status: criteria provided, single submitter. Criteria: Invitae Variant Classification Sherloc (09022015). Collection method: clinical testing. Allele origin: germline.
Comment: This sequence change replaces serine, which is neutral and polar, with asparagine, which is neutral and polar, at codon 773 of the MET protein (p.Ser773Asn). This variant is not present in population databases (gnomAD no frequency). This variant has not been reported in the literature in individuals affected with MET-related conditions. An algorithm developed to predict the effect of missense changes on protein structure and function (PolyPhen-2) suggests that this variant is likely to be disruptive. In summary, the available evidence is currently insufficient to determine the role of this variant in disease. Therefore, it has been classified as a Variant of Uncertain Significance.

NM_000245.4(MET):c.2265-1G>A

Gene: MET (MET proto-oncogene, receptor tyrosine kinase; plus strand). Cytogenetic location: 7q31.2.
Variant type: single nucleotide variant.
Coding change: c.2265-1G>A on transcript NM_000245.4 (MANE Select); the canonical splice acceptor site of the intron before coding-DNA position 2265, G replaced by A.
Molecular consequence: splice acceptor variant. On other transcripts: missense variant (1).
Genome position (GRCh38, 1-based): chr7:116,759,390, G>A. VCF-style: chr7-116759390-G-A. GRCh37 (hg19) VCF-style: chr7-116399444-G-A.
Other names: c.2318G>A, p.Ser773Asn (NM_001127500.3); c.975-1G>A (NM_001324402.2); c.2265-1G>A (NM_001324401.3); short protein forms S773N.
Identifiers: ClinVar variation 2693085 (VCV002693085.3), dbSNP rs2116937462, ClinGen allele CA368981895.